The following is an entry in ClinVar:

ClinVar aggregate classification (germline): Uncertain significance (1 of 4 stars; one submission).

Conditions:
Cardiovascular phenotype. Identifiers: MedGen CN230736.

Submission:

Ambry Genetics
Classification: Uncertain significance for Cardiovascular phenotype. Last evaluated: 2025-10-11. Review status: criteria provided, single submitter. Criteria: Ambry Variant Classification Scheme 2023. Collection method: clinical testing. Allele origin: germline.
Comment: The p.S1857F variant (also known as c.5570C>T), located in coding exon 2 of the ZNF469 gene, results from a C to T substitution at nucleotide position 5570. The serine at codon 1857 is replaced by phenylalanine, an amino acid with highly dissimilar properties. This amino acid position is conserved. In addition, this alteration is predicted to be tolerated by in silico analysis. Based on the available evidence, the clinical significance of this variant remains unclear.

NM_001127464.1:c.5570C>T

Gene: ZNF469 (zinc finger protein 469; plus strand).
Variant type: single nucleotide variant.
Identifiers: ClinVar variation 4615421 (VCV004615421.1).